The following is an entry in ClinVar:

NM_001164277.2(SLC37A4):c.377G>A (p.Arg126Gln)

Gene: SLC37A4 (solute carrier family 37 member 4; minus strand). Cytogenetic location: 11q23.3.
Variant type: single nucleotide variant.
Coding change: c.377G>A on transcript NM_001164277.2 (MANE Select); coding-DNA position 377, G replaced by A.
Protein change: p.Arg126Gln; replaces arginine 126 with glutamine.
Molecular consequence: missense variant.
Genome position (GRCh38, 1-based): chr11:119,028,198, C>T on the plus strand (G>A on the coding strand, the complement: SLC37A4 is on the minus strand). VCF-style: chr11-119028198-C-T. GRCh37 (hg19) VCF-style: chr11-118898908-C-T.
Other names: c.377G>A, p.Arg126Gln (NM_001164278.2, NM_001164280.2, NM_001467.6); c.158G>A, p.Arg53Gln (NM_001164279.2); short protein forms R126Q, R53Q.
Identifiers: ClinVar variation 431869 (VCV000431869.18), dbSNP rs78735156, ClinGen allele CA6311855.

ClinVar aggregate classification (germline): Uncertain significance. Review status: criteria provided, multiple submitters, no conflicts (2 of 4 stars). 7 submissions from 7 submitters: Uncertain significance (5). 2 of the submissions do not count toward it. Last evaluated 2026-01-11.

Conditions:
Glucose-6-phosphate transport defect (GSD1B). Also called: Glycogen Storage Disease Type Ib; GSD Ib. Identifiers: Orphanet 364, Orphanet 79259, MedGen C0268146, MONDO:0009288, OMIM 232220.
SLC37A4-related disorder. Also called: SLC37A4-related condition.
Inborn genetic diseases. Identifiers: MedGen C0950123, MeSH D030342.
Glycogen storage disease, type I. Identifiers: Orphanet 364, MedGen C0017920, MONDO:0002413.

Allele frequency attached by ClinVar (database versions not stated): ESP Exome Variant Server 0.00008; gnomAD 0.00011; gnomAD exomes 0.00012 and 0.00017; TOPMed 0.00014; ExAC 0.00041.

Submissions (7):

Labcorp Genetics (formerly Invitae), Labcorp
Classification: Uncertain significance for Glucose-6-phosphate transport defect. Last evaluated: 2026-01-11. Review status: criteria provided, single submitter. Criteria: Invitae Variant Classification Sherloc (09022015). Collection method: clinical testing. Allele origin: germline.
Comment: This sequence change replaces arginine, which is basic and polar, with glutamine, which is neutral and polar, at codon 126 of the SLC37A4 protein (p.Arg126Gln). This variant is present in population databases (rs78735156, gnomAD 0.02%). This variant has not been reported in the literature in individuals affected with SLC37A4-related conditions. ClinVar contains an entry for this variant (Variation ID: 431869). Invitae Evidence Modeling of protein sequence and biophysical properties (such as structural, functional, and spatial information, amino acid conservation, physicochemical variation, residue mobility, and thermodynamic stability) indicates that this missense variant is not expected to disrupt SLC37A4 protein function with a negative predictive value of 80%. In summary, the available evidence is currently insufficient to determine the role of this variant in disease. Therefore, it has been classified as a Variant of Uncertain Significance.

Blueprint Genetics
Classification: Uncertain significance. Last evaluated: 2024-10-31. Review status: criteria provided, single submitter. Criteria: ACMG Guidelines, 2015. Collection method: clinical testing. Allele origin: germline.

GeneDx
Classification: Uncertain significance. Last evaluated: 2024-10-30. Review status: criteria provided, single submitter. Criteria: GeneDx Variant Classification Process June 2021. Collection method: clinical testing. Allele origin: germline. Affected: yes.
Comment: In silico analysis indicates that this missense variant does not alter protein structure/function; Has not been previously published as pathogenic or benign to our knowledge

Ambry Genetics
Classification: Uncertain significance for Inborn genetic diseases. Last evaluated: 2022-12-01. Review status: criteria provided, single submitter. Criteria: Ambry Variant Classification Scheme 2023. Collection method: clinical testing. Allele origin: germline.

Illumina Laboratory Services, Illumina
Classification: Uncertain significance for Glycogen storage disease, type I. Last evaluated: 2018-03-30. Review status: criteria provided, single submitter. Criteria: ICSL Variant Classification Criteria 13 December 2019. Collection method: clinical testing. Allele origin: germline.

PreventionGenetics, part of Exact Sciences
Classification: Uncertain significance for SLC37A4-related condition. Last evaluated: 2024-09-25. Review status: no assertion criteria provided. Collection method: clinical testing. Allele origin: germline. Not counted in ClinVar's aggregate classification.
Comment: The SLC37A4 c.377G>A variant is predicted to result in the amino acid substitution p.Arg126Gln. To our knowledge, this variant has not been reported in the literature. This variant is reported in 0.018% of alleles in individuals of European (Non-Finnish) descent in gnomAD. At this time, the clinical significance of this variant is uncertain due to the absence of conclusive functional and genetic evidence.

Natera, Inc.
Classification: Uncertain significance for Glycogen storage disease type Ib. Last evaluated: 2019-11-11. Review status: no assertion criteria provided. Collection method: clinical testing. Allele origin: germline. Not counted in ClinVar's aggregate classification.